The following is an entry in ClinVar:

ClinVar aggregate classification (germline): Uncertain significance (1 of 4 stars; one submission).

Conditions:
Familial cancer of breast. Also called: hereditary breast carcinoma; BREAST CANCER, FAMILIAL; Hereditary breast cancer. Identifiers: Orphanet 227535, MedGen C0346153, MONDO:0016419, OMIM 114480. Disease mechanism: loss of function.
Fanconi anemia complementation group J. Also called: BRIP1-Related Fanconi Anemia. Identifiers: Orphanet 84, MedGen C1836860, MONDO:0012187, OMIM 609054.

Submission:

Labcorp Genetics (formerly Invitae), Labcorp
Classification: Uncertain significance for Familial cancer of breast; Fanconi anemia complementation group J. Last evaluated: 2024-10-31. Review status: criteria provided, single submitter. Criteria: Invitae Variant Classification Sherloc (09022015). Collection method: clinical testing. Allele origin: germline.
Comment: This sequence change replaces lysine, which is basic and polar, with asparagine, which is neutral and polar, at codon 1214 of the BRIP1 protein (p.Lys1214Asn). This variant is not present in population databases (gnomAD no frequency). This variant has not been reported in the literature in individuals affected with BRIP1-related conditions. ClinVar contains an entry for this variant (Variation ID: 1010932). Invitae Evidence Modeling of protein sequence and biophysical properties (such as structural, functional, and spatial information, amino acid conservation, physicochemical variation, residue mobility, and thermodynamic stability) indicates that this missense variant is not expected to disrupt BRIP1 protein function with a negative predictive value of 95%. In summary, the available evidence is currently insufficient to determine the role of this variant in disease. Therefore, it has been classified as a Variant of Uncertain Significance.

NM_032043.3(BRIP1):c.3642A>C (p.Lys1214Asn)

Gene: BRIP1 (BRCA1 interacting DNA helicase 1; minus strand). Cytogenetic location: 17q23.2.
Variant type: single nucleotide variant.
Coding change: c.3642A>C on transcript NM_032043.3 (MANE Select); coding-DNA position 3642, A replaced by C.
Protein change: p.Lys1214Asn; replaces lysine 1214 with asparagine.
Molecular consequence: missense variant.
Genome position (GRCh38, 1-based): chr17:61,683,404, T>G on the plus strand (A>C on the coding strand, the complement: BRIP1 is on the minus strand). VCF-style: chr17-61683404-T-G. GRCh37 (hg19) VCF-style: chr17-59760765-T-G.
Other names: short protein forms K1214N.
Identifiers: ClinVar variation 1010932 (VCV001010932.9), dbSNP rs2061298986, ClinGen allele CA400477920.